The following is an entry in ClinVar:

ClinVar aggregate classification (germline): Uncertain significance (1 of 4 stars; one submission).

Conditions:
T-B+ severe combined immunodeficiency due to JAK3 deficiency. Also called: SCID, autosomal recessive, T-negative/B-positive type; SCID, T CELL-NEGATIVE, B CELL-POSITIVE, NK CELL-NEGATIVE. Identifiers: Orphanet 35078, MedGen C1833275, MONDO:0010938, OMIM 600802.

Submission:

Labcorp Genetics (formerly Invitae), Labcorp
Classification: Uncertain significance for T-B+ severe combined immunodeficiency due to JAK3 deficiency. Last evaluated: 2020-07-16. Review status: criteria provided, single submitter. Criteria: Invitae Variant Classification Sherloc (09022015). Collection method: clinical testing. Allele origin: germline.
Comment: In summary, the available evidence is currently insufficient to determine the role of this variant in disease. Therefore, it has been classified as a Variant of Uncertain Significance. Algorithms developed to predict the effect of missense changes on protein structure and function are either unavailable or do not agree on the potential impact of this missense change (SIFT: "Tolerated"; PolyPhen-2: "Possibly Damaging"; Align-GVGD: "Class C0"). This variant has not been reported in the literature in individuals with JAK3-related conditions. This variant is not present in population databases (ExAC no frequency). This sequence change replaces lysine with asparagine at codon 361 of the JAK3 protein (p.Lys361Asn). The lysine residue is moderately conserved and there is a moderate physicochemical difference between lysine and asparagine.

NM_000215.4(JAK3):c.1083G>C (p.Lys361Asn)

Gene: JAK3 (Janus kinase 3; minus strand). Cytogenetic location: 19p13.11.
Variant type: single nucleotide variant.
Coding change: c.1083G>C on transcript NM_000215.4 (MANE Select); coding-DNA position 1083, G replaced by C.
Protein change: p.Lys361Asn; replaces lysine 361 with asparagine.
Molecular consequence: missense variant.
Genome position (GRCh38, 1-based): chr19:17,841,448, C>G on the plus strand (G>C on the coding strand, the complement: JAK3 is on the minus strand). VCF-style: chr19-17841448-C-G. GRCh37 (hg19) VCF-style: chr19-17952257-C-G.
Other names: short protein forms K361N.
Identifiers: ClinVar variation 1045103 (VCV001045103.8), dbSNP rs2094238493, ClinGen allele CA404771204.